The following is an entry in ClinVar:

ClinVar aggregate classification (germline): Conflicting classifications of pathogenicity. Review status: criteria provided, conflicting classifications (1 of 4 stars). 3 submissions from 3 submitters: Likely pathogenic (2); Uncertain significance (1). Last evaluated 2025-09-19.

Conditions:
Coenzyme Q10 deficiency, primary, 3 (COQ10D3). Identifiers: Orphanet 255249, MedGen C3553358, MONDO:0013838, OMIM 614652.

Allele frequency attached by ClinVar (database versions not stated): ExAC 0.00001; gnomAD 0.00001; gnomAD exomes 0.00001; TOPMed 0.00001; 1000 Genomes Project 30x 0.00016; 1000 Genomes Project 0.00020.
gnomAD v4.1: 10 of 1,614,006 alleles (0.00062%); highest among the groups gnomAD compares: Non-Finnish European, 0.00085%; no homozygotes.

Submissions (3):

First Genomix Gene Laboratory, Genetic Diagnostics Department
Classification: Likely pathogenic for Coenzyme Q10 deficiency, primary, 3. Last evaluated: 2025-09-19. Review status: criteria provided, single submitter. Criteria: ACMG Guidelines, 2015. Collection method: clinical testing. Allele origin: germline. Inheritance: Autosomal recessive inheritance. Affected: no. Observed: 1 variant allele.

Laboratorio de Genetica e Diagnostico Molecular, Hospital Israelita Albert Einstein
Classification: Likely pathogenic for Coenzyme Q10 deficiency, primary, 3. Last evaluated: 2022-08-11. Review status: criteria provided, single submitter. Criteria: ACMG Guidelines, 2015. Collection method: clinical testing. Allele origin: germline. Affected: yes.
Comment: ACMG classification criteria: PVS1 strong, PM2 moderated

Labcorp Genetics (formerly Invitae), Labcorp
Classification: Uncertain significance. Last evaluated: 2022-05-20. Review status: criteria provided, single submitter. Criteria: Invitae Variant Classification Sherloc (09022015). Collection method: clinical testing. Allele origin: germline.
Comment: This sequence change falls in intron 7 of the PDSS2 gene. It does not directly change the encoded amino acid sequence of the PDSS2 protein. It affects a nucleotide within the consensus splice site. This variant is present in population databases (rs201622517, gnomAD 0.003%). This variant has not been reported in the literature in individuals affected with PDSS2-related conditions. Variants that disrupt the consensus splice site are a relatively common cause of aberrant splicing (PMID: 17576681, 9536098). Algorithms developed to predict the effect of sequence changes on RNA splicing suggest that this variant may disrupt the consensus splice site. In summary, the available evidence is currently insufficient to determine the role of this variant in disease. Therefore, it has been classified as a Variant of Uncertain Significance.

Literature cited by the submitters: PubMed 17576681 (cited by Labcorp Genetics (formerly Invitae), Labcorp); PubMed 9536098 (cited by Labcorp Genetics (formerly Invitae), Labcorp).

NM_020381.4(PDSS2):c.1042-1G>A

Gene: PDSS2 (decaprenyl diphosphate synthase subunit 2; minus strand). Cytogenetic location: 6q21.
Variant type: single nucleotide variant.
Coding change: c.1042-1G>A on transcript NM_020381.4 (MANE Select); the canonical splice acceptor site of the intron before coding-DNA position 1042, G replaced by A.
Molecular consequence: splice acceptor variant.
Genome position (GRCh38, 1-based): chr6:107,154,778, C>T on the plus strand (G>A on the coding strand, the complement: PDSS2 is on the minus strand). VCF-style: chr6-107154778-C-T. GRCh37 (hg19) VCF-style: chr6-107475982-C-T.
Identifiers: ClinVar variation 1954682 (VCV001954682.4), dbSNP rs201622517, ClinGen allele CA3945915.